The following is an entry in ClinVar:

ClinVar aggregate classification (germline): Uncertain significance (1 of 4 stars; one submission).

Conditions:
Hereditary cancer-predisposing syndrome. Also called: Neoplastic Syndromes, Hereditary; Tumor predisposition; Hereditary neoplastic syndrome; Hereditary Cancer Syndrome. Identifiers: Orphanet 140162, MedGen C0027672, MeSH D009386, MONDO:0015356.

Submission:

Ambry Genetics
Classification: Uncertain significance for Hereditary cancer-predisposing syndrome. Last evaluated: 2026-07-06. Review status: criteria provided, single submitter. Criteria: Ambry Variant Classification Scheme 2023. Collection method: clinical testing. Allele origin: germline.
Comment: The p.G78R variant (also known as c.232G>A), located in coding exon 2 of the SUFU gene, results from a G to A substitution at nucleotide position 232. The glycine at codon 78 is replaced by arginine, an amino acid with dissimilar properties. This amino acid position is conserved. In addition, this alteration is predicted to be deleterious by in silico analysis. Based on the available evidence, the clinical significance of this variant remains unclear.

NM_016169.4(SUFU):c.232G>A (p.Gly78Arg)

Gene: SUFU (SUFU negative regulator of hedgehog signaling; plus strand). Cytogenetic location: 10q24.32.
Variant type: single nucleotide variant.
Coding change: c.232G>A on transcript NM_016169.4 (MANE Select); coding-DNA position 232, G replaced by A.
Protein change: p.Gly78Arg; replaces glycine 78 with arginine.
Molecular consequence: missense variant.
Genome position (GRCh38, 1-based): chr10:102,509,218, G>A. VCF-style: chr10-102509218-G-A. GRCh37 (hg19) VCF-style: chr10-104268975-G-A.
Other names: c.232G>A, p.Gly78Arg (NM_001178133.2); short protein forms G78R.
Identifiers: ClinVar variation 5030370 (VCV005030370.1).
Genomic context (GRCh38, chr10:102,509,218, plus strand): 5'-GTTTTTTGCAGGTTGGGTGGCCCAGACCCCTTGGACTATGTTAGCATGTACAGGAATGTG[G>A]GGAGCCCTTCTGCTAACATCCCCGAGCACTGGCACTACATCAGCTTCGGCCTGAGTGATC-3'
Protein context (NP_057253.2, residues 68-88): LDYVSMYRNV[Gly78Arg]SPSANIPEHW